The following is an entry in ClinVar:

ClinVar aggregate classification (germline): Uncertain significance (1 of 4 stars; one submission).

gnomAD v4.1: 1 of 1,527,972 alleles (0.000065%); highest among the groups gnomAD compares: Non-Finnish European, 0.000088%; no homozygotes.

Submission:

GeneDx
Classification: Uncertain significance. Last evaluated: 2025-06-09. Review status: criteria provided, single submitter. Criteria: GeneDx Variant Classification Process June 2021. Collection method: clinical testing. Allele origin: germline. Affected: yes.
Comment: Not observed at significant frequency in large population cohorts (gnomAD); In silico analysis suggests that this missense variant does not alter protein structure/function; Has not been previously published as pathogenic or benign to our knowledge

NM_001080421.3(UNC13A):c.491A>G (p.Asp164Gly)

Gene: UNC13A (unc-13 homolog A; minus strand). Cytogenetic location: 19p13.11.
Variant type: single nucleotide variant.
Coding change: c.491A>G on transcript NM_001080421.3 (MANE Select); coding-DNA position 491, A replaced by G.
Protein change: p.Asp164Gly; replaces aspartic acid 164 with glycine.
Molecular consequence: missense variant.
Genome position (GRCh38, 1-based): chr19:17,666,682, T>C on the plus strand (A>G on the coding strand, the complement: UNC13A is on the minus strand). VCF-style: chr19-17666682-T-C. GRCh37 (hg19) VCF-style: chr19-17777491-T-C.
Other names: c.491A>G, p.Asp164Gly (NM_001387021.1, NM_001387022.1, NM_001387023.1); short protein forms D164G.
Identifiers: ClinVar variation 4538173 (VCV004538173.1).